The following is an entry in ClinVar:

NM_032119.4(ADGRV1):c.8309_8312del (p.Phe2770fs)

Gene: ADGRV1 (adhesion G protein-coupled receptor V1; plus strand). Cytogenetic location: 5q14.3.
Variant type: Microsatellite.
Coding change: c.8309_8312del on transcript NM_032119.4 (MANE Select); coding-DNA positions 8309 to 8312, 4 bases deleted (TTGT; older notation c.8309_8312delTTGT).
Protein change: p.Phe2770fs; shifts the reading frame from phenylalanine 2770.
Molecular consequence: frameshift variant. On other transcripts: non-coding transcript variant (1).
Genome position (GRCh38, 1-based): chr5:90,704,411-90,704,414, TTGT deleted; deleting any 4 consecutive bases within chr5:90,704,407-90,704,414 gives the same sequence; the c. name uses the placement nearest the transcript's 3' end. VCF-style (leftmost placement, unchanged base first): chr5-90704406-ATTGT-A. GRCh37 (hg19) VCF-style: chr5-90000223-ATTGT-A.
Other names: c.8309_8312del (NM_032119.3); c.8309_8312delTTGT (NM_032119.3); short protein forms F2770fs.
Identifiers: ClinVar variation 1445136 (VCV001445136.9), dbSNP rs754066881, ClinGen allele CA3340228.

ClinVar aggregate classification (germline): Conflicting classifications of pathogenicity. Review status: criteria provided, conflicting classifications (1 of 4 stars). 4 submissions from 4 submitters: Pathogenic (1); Likely pathogenic (2); Uncertain significance (1). Last evaluated 2025-12-29.

Conditions:
ADGRV1-related disorder. Also called: ADGRV1-related disorders; ADGRV1-related condition.
Usher syndrome type 2C. Also called: Usher syndrome, type 2B; USHER SYNDROME, TYPE IIC. Identifiers: Orphanet 231178, Orphanet 886, MedGen C2931213, MONDO:0011558, OMIM 605472.

Submissions (4):

Labcorp Genetics (formerly Invitae), Labcorp
Classification: Pathogenic. Last evaluated: 2025-12-29. Review status: criteria provided, single submitter. Criteria: Invitae Variant Classification Sherloc (09022015). Collection method: clinical testing. Allele origin: germline.
Comment: This sequence change creates a premature translational stop signal (p.Phe2770Cysfs*46) in the ADGRV1 gene. It is expected to result in an absent or disrupted protein product. Loss-of-function variants in ADGRV1 are known to be pathogenic (PMID: 19357117, 22135276, 22147658, 26226137, 30718709, 31047384, 32467589). This variant is present in population databases (rs754066881, gnomAD 0.01%). This variant has not been reported in the literature in individuals affected with ADGRV1-related conditions. ClinVar contains an entry for this variant (Variation ID: 1445136). For these reasons, this variant has been classified as Pathogenic.

PreventionGenetics, part of Exact Sciences
Classification: Likely pathogenic for ADGRV1-related condition. Last evaluated: 2025-06-23. Review status: criteria provided, single submitter. Criteria: ACMG Guidelines, 2015. Collection method: clinical testing. Allele origin: germline.
Comment: The ADGRV1 c.8309_8312delTTGT variant is predicted to result in a frameshift and premature protein termination (p.Phe2770Cysfs*46). To our knowledge, this variant has not been reported in the literature. This variant is reported in 0.014% of alleles in individuals of East Asian descent in gnomAD. Frameshift variants in ADGRV1 are expected to be pathogenic. This variant is interpreted as likely pathogenic.

3billion
Classification: Likely pathogenic for Usher syndrome type 2C. Last evaluated: 2025-03-21. Review status: criteria provided, single submitter. Criteria: ACMG Guidelines, 2015. Collection method: clinical testing. Allele origin: germline. Affected: yes.

GeneDx
Classification: Uncertain significance. Last evaluated: 2024-06-11. Review status: criteria provided, single submitter. Criteria: GeneDx Variant Classification Process June 2021. Collection method: clinical testing. Allele origin: germline. Affected: yes.
Comment: Frameshift variant predicted to result in protein truncation or nonsense mediated decay in a gene for which loss of function is a known mechanism of disease; Has not been previously published as pathogenic or benign to our knowledge; This variant is associated with the following publications: (PMID: 31964843)

Literature cited by the submitters: PubMed 19357117 (cited by Labcorp Genetics (formerly Invitae), Labcorp); PubMed 22135276 (cited by Labcorp Genetics (formerly Invitae), Labcorp); PubMed 22147658 (cited by Labcorp Genetics (formerly Invitae), Labcorp); PubMed 26226137 (cited by Labcorp Genetics (formerly Invitae), Labcorp); PubMed 30718709 (cited by Labcorp Genetics (formerly Invitae), Labcorp); PubMed 31047384 (cited by Labcorp Genetics (formerly Invitae), Labcorp); PubMed 32467589 (cited by Labcorp Genetics (formerly Invitae), Labcorp).